The following is an entry in ClinVar:

ClinVar aggregate classification (germline): Benign/Likely benign. Review status: criteria provided, multiple submitters, no conflicts (2 of 4 stars). 4 submissions from 4 submitters: Benign (1); Likely benign (3). Last evaluated 2026-01-26.

Conditions:
Hypermethioninemia with deficiency of S-adenosylhomocysteine hydrolase. Identifiers: Orphanet 88618, MedGen C3151058, MONDO:0013404, OMIM 613752.

Allele frequency attached by ClinVar (database versions not stated): 1000 Genomes Project 0.00140; 1000 Genomes Project 30x 0.00156; TOPMed 0.00166; ESP Exome Variant Server 0.00200; gnomAD 0.00210 and 0.00215; ExAC 0.00213; gnomAD exomes 0.00246.
gnomAD v4.1: 3,902 of 1,613,886 alleles (0.24%); highest among the groups gnomAD compares: South Asian, 0.25%; 7 homozygotes.

Submissions (4):

Labcorp Genetics (formerly Invitae), Labcorp
Classification: Benign for Hypermethioninemia with deficiency of S-adenosylhomocysteine hydrolase. Last evaluated: 2026-01-26. Review status: criteria provided, single submitter. Criteria: Invitae Variant Classification Sherloc (09022015). Collection method: clinical testing. Allele origin: germline.

CeGaT Center for Human Genetics Tuebingen
Classification: Likely benign. Last evaluated: 2025-07-01. Review status: criteria provided, single submitter. Criteria: CeGaT Center For Human Genetics Tuebingen Variant Classification Criteria Version 2. Collection method: clinical testing. Allele origin: germline. Affected: yes. Observed: 2 variant alleles.
Comment: AHCY: BP4, BP7

Illumina Laboratory Services, Illumina
Classification: Likely benign for Hypermethioninemia with deficiency of S-adenosylhomocysteine hydrolase. Last evaluated: 2018-01-13. Review status: criteria provided, single submitter. Criteria: ICSL Variant Classification Criteria 13 December 2019. Collection method: clinical testing. Allele origin: germline.
Comment: This variant was observed in the ICSL laboratory as part of a predisposition screen in an ostensibly healthy population. It had not been previously curated by ICSL or reported in the Human Gene Mutation Database (HGMD: prior to June 1st, 2018), and was therefore a candidate for classification through an automated scoring system. Utilizing variant allele frequency, disease prevalence and penetrance estimates, and inheritance mode, an automated score was calculated to assess if this variant is too frequent to cause the disease. Based on the score and internal cut-off values, a variant classified as likely benign is not then subjected to further curation. The score for this variant resulted in a classification of likely benign for this disease.

Breakthrough Genomics
Classification: Likely benign. Review status: criteria provided, single submitter. Criteria: ACMG Guidelines, 2015. Collection method: not provided. Allele origin: germline. Inheritance: Autosomal recessive inheritance. Affected: yes.

NM_000687.4(AHCY):c.744C>T (p.Asn248=)

Gene: AHCY (adenosylhomocysteinase; minus strand). Cytogenetic location: 20q11.22.
Variant type: single nucleotide variant.
Coding change: c.744C>T on transcript NM_000687.4 (MANE Select); coding-DNA position 744, C replaced by T.
Protein change: p.Asn248=; no amino-acid change (asparagine 248 retained).
Molecular consequence: synonymous variant.
Genome position (GRCh38, 1-based): chr20:34,290,753, G>A on the plus strand (C>T on the coding strand, the complement: AHCY is on the minus strand). VCF-style: chr20-34290753-G-A. GRCh37 (hg19) VCF-style: chr20-32878559-G-A.
Other names: c.660C>T, p.Asn220= (NM_001161766.2, NM_001322084.2, NM_001322085.2); c.750C>T, p.Asn250= (NM_001322086.2); c.744C>T, p.Asn248= (NM_001362750.2).
Identifiers: ClinVar variation 338273 (VCV000338273.40), dbSNP rs150175934, ClinGen allele CA9820907.